The following is an entry in ClinVar:

ClinVar aggregate classification (germline): Conflicting classifications of pathogenicity. Review status: criteria provided, conflicting classifications (1 of 4 stars). 2 submissions from 2 submitters: Likely pathogenic (1); Uncertain significance (1). Last evaluated 2025-05-11.

Conditions:
Methylmalonic acidemia with homocystinuria, type cblJ (MAHCJ). Also called: METHYLMALONIC ACIDURIA AND HOMOCYSTINURIA, cblJ TYPE. Identifiers: Orphanet 369955, MedGen C3553915, MONDO:0013925, OMIM 614857.

Submissions (2):

GeneDx
Classification: Uncertain significance. Last evaluated: 2025-05-11. Review status: criteria provided, single submitter. Criteria: GeneDx Variant Classification Process June 2021. Collection method: clinical testing. Allele origin: germline. Affected: yes.
Comment: Frameshift variant predicted to result in protein truncation or nonsense mediated decay in a gene for which loss of function is a known mechanism of disease; Has not been previously published as pathogenic or benign to our knowledge

Fulgent Genetics
Classification: Likely pathogenic for Methylmalonic acidemia with homocystinuria, type cblJ. Last evaluated: 2024-05-28. Review status: criteria provided, single submitter. Criteria: ACMG Guidelines, 2015. Collection method: clinical testing. Allele origin: germline.

NM_005050.4(ABCD4):c.244_245del (p.Leu82fs)

Gene: ABCD4 (ATP binding cassette subfamily D member 4; minus strand). Cytogenetic location: 14q24.3.
Variant type: Microsatellite.
Coding change: c.244_245del on transcript NM_005050.4 (MANE Select); coding-DNA positions 244 to 245, 2 bases deleted (CT; older notation c.244_245delCT).
Protein change: p.Leu82fs; shifts the reading frame from leucine 82.
Molecular consequence: frameshift variant. On other transcripts: 5 prime UTR variant (10), non-coding transcript variant (6), intron variant (9).
Genome position (GRCh38, 1-based): chr14:74,299,588-74,299,589, AG deleted on the plus strand (CT on the coding strand, the reverse complement: ABCD4 is on the minus strand); deleting any 2 consecutive bases within chr14:74,299,588-74,299,591 gives the same sequence; the c. name uses the placement nearest the transcript's 3' end. VCF-style (leftmost placement, unchanged base first): chr14-74299587-CAG-C. GRCh37 (hg19) VCF-style: chr14-74766290-CAG-C.
Other names: c.244_245del (NM_005050.3); c.244_245del, p.Leu82fs (NM_001353591.2, NM_001353592.2, NM_020325.3); c.-20CT[1] (NM_001353593.2, NM_001353594.2); c.-168CT[1] (NM_001353595.2); c.-96CT[1] (NM_001353599.2, NM_020324.3); c.-448CT[1] (NM_001353602.2); c.-453CT[1] (NM_001353605.2, NM_001353609.2, NM_001353610.2); c.-308CT[1] (NM_001353608.2); and 7 more; short protein forms L82fs.
Identifiers: ClinVar variation 3576748 (VCV003576748.2).